The following is an entry in ClinVar:

ClinVar aggregate classification (germline): Uncertain significance (1 of 4 stars; one submission).

Allele frequency attached by ClinVar (database versions not stated): gnomAD exomes below 0.00001; ExAC 0.00001.
gnomAD v4.1: 1 of 1,613,342 alleles (0.000062%); highest among the groups gnomAD compares: South Asian, 0.0011%; no homozygotes.

Submission:

GeneDx
Classification: Uncertain significance. Last evaluated: 2024-07-15. Review status: criteria provided, single submitter. Criteria: GeneDx Variant Classification Process June 2021. Collection method: clinical testing. Allele origin: germline. Affected: yes.
Comment: Not observed at significant frequency in large population cohorts (gnomAD); In silico analysis supports that this missense variant has a deleterious effect on protein structure/function; Has not been previously published as pathogenic or benign to our knowledge

NM_015160.3(PMPCA):c.1541A>G (p.Asp514Gly)

Gene: PMPCA (peptidase, mitochondrial processing subunit alpha; plus strand). Cytogenetic location: 9q34.3.
Variant type: single nucleotide variant.
Coding change: c.1541A>G on transcript NM_015160.3 (MANE Select); coding-DNA position 1541, A replaced by G.
Protein change: p.Asp514Gly; replaces aspartic acid 514 with glycine.
Molecular consequence: missense variant.
Genome position (GRCh38, 1-based): chr9:136,423,227, A>G. VCF-style: chr9-136423227-A-G. GRCh37 (hg19) VCF-style: chr9-139317679-A-G.
Other names: c.1148A>G, p.Asp383Gly (NM_001282944.2); c.1241A>G, p.Asp414Gly (NM_001282946.2); short protein forms D383G, D414G, D514G.
Identifiers: ClinVar variation 3252743 (VCV003252743.1), dbSNP rs773942515.